The following is an entry in ClinVar:

NM_001039141.3(TRIOBP):c.2449_2475del (p.Thr817_Arg825del)

Gene: TRIOBP (TRIO and F-actin binding protein; plus strand). Cytogenetic location: 22q13.1.
Variant type: Deletion.
Coding change: c.2449_2475del on transcript NM_001039141.3 (MANE Select); coding-DNA positions 2449 to 2475, 27 bases deleted (ACTTGTATTCAACAGAACATCCCCAGA).
Protein change: p.Thr817_Arg825del.
Molecular consequence: inframe deletion.
Genome position (GRCh38, 1-based): chr22:37,725,005-37,725,031, ACTTGTATTCAACAGAACATCCCCAGA deleted; deleting any 27 consecutive bases within chr22:37,724,998-37,725,031 gives the same sequence; the c. name uses the placement nearest the transcript's 3' end. VCF-style (leftmost placement, unchanged base first): chr22-37724997-ACCCCAGAACTTGTATTCAACAGAACAT-A. GRCh37 (hg19) VCF-style: chr22-38121004-ACCCCAGAACTTGTATTCAACAGAACAT-A.
Identifiers: ClinVar variation 1969339 (VCV001969339.5), dbSNP rs1462331890, ClinGen allele CA639394643.
Genomic context (GRCh38, chr22:37,724,997, plus strand): 5'-CCTGTGCCCAGCGGGACAATCTCAGAGCCTCCTCTCCCATCAGAGCCACCCAACAGGACA[ACCCCAGAACTTGTATTCAACAGAACAT>A]CCCCAGATCATCTTCTACCCAACAAGACAACCCTAAAACCTCTTGTACCAAACGAGATAA-3'

ClinVar aggregate classification (germline): Uncertain significance (1 of 4 stars; one submission).

Submission:

Labcorp Genetics (formerly Invitae), Labcorp
Classification: Uncertain significance. Last evaluated: 2022-07-03. Review status: criteria provided, single submitter. Criteria: Invitae Variant Classification Sherloc (09022015). Collection method: clinical testing. Allele origin: germline.
Comment: In summary, the available evidence is currently insufficient to determine the role of this variant in disease. Therefore, it has been classified as a Variant of Uncertain Significance. Experimental studies and prediction algorithms are not available or were not evaluated, and the functional significance of this variant is currently unknown. This variant has not been reported in the literature in individuals affected with TRIOBP-related conditions. This variant is present in population databases (no rsID available, gnomAD 0.002%). This variant, c.2449_2475del, results in the deletion of 9 amino acid(s) of the TRIOBP protein (p.Thr817_Arg825del), but otherwise preserves the integrity of the reading frame.